The following is an entry in ClinVar:

NM_000836.4(GRIN2D):c.1304C>T (p.Ala435Val)

Gene: GRIN2D (glutamate ionotropic receptor NMDA type subunit 2D; plus strand). Cytogenetic location: 19q13.33.
Variant type: single nucleotide variant.
Coding change: c.1304C>T on transcript NM_000836.4 (MANE Select); coding-DNA position 1304, C replaced by T.
Protein change: p.Ala435Val; replaces alanine 435 with valine.
Molecular consequence: missense variant.
Genome position (GRCh38, 1-based): chr19:48,414,476, C>T. VCF-style: chr19-48414476-C-T. GRCh37 (hg19) VCF-style: chr19-48917733-C-T.
Other names: short protein forms A435V.
Identifiers: ClinVar variation 2108017 (VCV002108017.4), dbSNP rs2513671150, ClinGen allele CA406695291.

ClinVar aggregate classification (germline): Uncertain significance (1 of 4 stars; one submission).

Allele frequency attached by ClinVar (database versions not stated): gnomAD exomes below 0.00001.
gnomAD v4.1: 1 of 1,600,362 alleles (0.000062%); highest among the groups gnomAD compares: Non-Finnish European, 0.000085%; no homozygotes.

Submission:

Labcorp Genetics (formerly Invitae), Labcorp
Classification: Uncertain significance. Last evaluated: 2022-03-09. Review status: criteria provided, single submitter. Criteria: Invitae Variant Classification Sherloc (09022015). Collection method: clinical testing. Allele origin: germline.
Comment: This variant is not present in population databases (gnomAD no frequency). In summary, the available evidence is currently insufficient to determine the role of this variant in disease. Therefore, it has been classified as a Variant of Uncertain Significance. Advanced modeling of protein sequence and biophysical properties (such as structural, functional, and spatial information, amino acid conservation, physicochemical variation, residue mobility, and thermodynamic stability) performed at Invitae indicates that this missense variant is not expected to disrupt GRIN2D protein function. This variant has not been reported in the literature in individuals affected with GRIN2D-related conditions. This sequence change replaces alanine, which is neutral and non-polar, with valine, which is neutral and non-polar, at codon 435 of the GRIN2D protein (p.Ala435Val).